The following is an entry in ClinVar:

ClinVar aggregate classification (germline): Conflicting classifications of pathogenicity. Review status: criteria provided, conflicting classifications (1 of 4 stars). 3 submissions from 3 submitters: Uncertain significance (1); Likely benign (1). 1 of the submissions does not count toward it. Last evaluated 2023-06-02.

Conditions:
CACNA1G-related disorder. Also called: CACNA1G-related condition; CACNA1G-related disorders.
Inborn genetic diseases. Identifiers: MedGen C0950123, MeSH D030342.

Allele frequency attached by ClinVar (database versions not stated): gnomAD exomes 0.00002; ExAC 0.00003; TOPMed 0.00017; gnomAD 0.00019.
gnomAD v4.1: 61 of 1,562,824 alleles (0.0039%); highest among the groups gnomAD compares: African/African-American, 0.069%; no homozygotes.

Submissions (3):

Ambry Genetics
Classification: Likely benign for Inborn genetic diseases. Last evaluated: 2023-06-02. Review status: criteria provided, single submitter. Criteria: Ambry Variant Classification Scheme 2023. Collection method: clinical testing. Allele origin: germline.

Labcorp Genetics (formerly Invitae), Labcorp
Classification: Uncertain significance. Last evaluated: 2022-10-03. Review status: criteria provided, single submitter. Criteria: Invitae Variant Classification Sherloc (09022015). Collection method: clinical testing. Allele origin: germline.
Comment: In summary, the available evidence is currently insufficient to determine the role of this variant in disease. Therefore, it has been classified as a Variant of Uncertain Significance. Algorithms developed to predict the effect of sequence changes on RNA splicing suggest that this variant is not likely to affect RNA splicing. This variant has not been reported in the literature in individuals affected with CACNA1G-related conditions. The frequency data for this variant in the population databases is considered unreliable, as metrics indicate poor data quality at this position in the gnomAD database. This sequence change affects codon 818 of the CACNA1G mRNA. It is a 'silent' change, meaning that it does not change the encoded amino acid sequence of the CACNA1G protein. It affects a nucleotide within the consensus splice site.

PreventionGenetics, part of Exact Sciences
Classification: Likely benign for CACNA1G-related condition. Last evaluated: 2019-08-27. Review status: no assertion criteria provided. Collection method: clinical testing. Allele origin: germline. Not counted in ClinVar's aggregate classification.
Comment: This variant is classified as likely benign based on ACMG/AMP sequence variant interpretation guidelines (Richards et al. 2015 PMID: 25741868, with internal and published modifications).

NM_018896.5(CACNA1G):c.2454C>T (p.Ser818=)

Gene: CACNA1G (calcium voltage-gated channel subunit alpha1 G; plus strand). Cytogenetic location: 17q21.33.
Variant type: single nucleotide variant.
Coding change: c.2454C>T on transcript NM_018896.5 (MANE Select); coding-DNA position 2454, C replaced by T.
Protein change: p.Ser818=; no amino-acid change (serine 818 retained).
Molecular consequence: synonymous variant. On other transcripts: non-coding transcript variant (5).
Genome position (GRCh38, 1-based): chr17:50,591,435, C>T. VCF-style: chr17-50591435-C-T. GRCh37 (hg19) VCF-style: chr17-48668796-C-T.
Other names: c.2454C>T, p.Ser818= (NM_001256326.2, NM_001256327.2, NM_001256328.2 and 24 more transcripts); c.2454C>T (NM_018896.3, NM_018896.4).
Identifiers: ClinVar variation 2414878 (VCV002414878.12), dbSNP rs746536941, ClinGen allele CA8652433.
Genomic context (GRCh38, chr17:50,591,435, plus strand): 5'-GAGGGAGTAGGGGGAGAGGGTGAAGGTGCAGGGGGCTCAGGCTGCCTGCCCCCTTTGCAG[C>T]GTGTGGGAGATCGTGGGCCAGCAGGGGGGCGGCCTGTCGGTGCTGCGGACCTTCCGCCTG-3'
Protein context (NP_061496.2, residues 808-828): NIFDGVIVVI[Ser818=]VWEIVGQQGG